The following is an entry in ClinVar:

NM_001267550.2(TTN):c.30598+1G>C

Gene: TTN (titin; minus strand). Cytogenetic location: 2q31.2.
Variant type: single nucleotide variant.
Coding change: c.30598+1G>C on transcript NM_001267550.2 (MANE Select); the canonical splice donor site of the intron after coding-DNA position 30598, G replaced by C.
Molecular consequence: splice donor variant. On other transcripts: intron variant (3).
Genome position (GRCh38, 1-based): chr2:178,701,527, C>G on the plus strand (G>C on the coding strand, the complement: TTN is on the minus strand). VCF-style: chr2-178701527-C-G. GRCh37 (hg19) VCF-style: chr2-179566254-C-G.
Other names: c.13282+36555G>C (NM_003319.4); c.13858+36555G>C (NM_133437.4); c.13657+36555G>C (NM_133432.3); c.26866+1G>C (NM_133378.4); c.29647+1G>C (NM_001256850.1).
Identifiers: ClinVar variation 1045640 (VCV001045640.9), dbSNP rs2075001826, ClinGen allele CA349567725.

ClinVar aggregate classification (germline): Likely pathogenic (1 of 4 stars; one submission).

Conditions:
Dilated cardiomyopathy 1G (CMD1G). Identifiers: Orphanet 154, MedGen C1858763, MONDO:0011400, OMIM 604145.
Autosomal recessive limb-girdle muscular dystrophy type 2J (LGMDR10). Also called: Limb-girdle muscular dystrophy, type 2J; MUSCULAR DYSTROPHY, LIMB-GIRDLE, AUTOSOMAL RECESSIVE 10. Identifiers: Orphanet 140922, MedGen C1837342, MONDO:0012127, OMIM 608807.

Submission:

Labcorp Genetics (formerly Invitae), Labcorp
Classification: Likely pathogenic for Dilated cardiomyopathy 1G; Autosomal recessive limb-girdle muscular dystrophy type 2J. Last evaluated: 2024-10-18. Review status: criteria provided, single submitter. Criteria: Invitae Variant Classification Sherloc (09022015). Collection method: clinical testing. Allele origin: germline.
Comment: This sequence change affects a donor splice site in intron 110 of the TTN gene. It is expected to disrupt RNA splicing and likely results in a truncated or disrupted TTN protein. This variant is not present in population databases (gnomAD no frequency). This variant has not been reported in the literature in individuals affected with TTN-related conditions. ClinVar contains an entry for this variant (Variation ID: 1045640). Algorithms developed to predict the effect of sequence changes on RNA splicing suggest that this variant may disrupt the consensus splice site. This variant is located in the I band of TTN (PMID: 25589632). Truncating variants in this region have been reported in individuals affected with autosomal recessive centronuclear myopathy (PMID: 23975875, internal data). Truncating variants in this region have also been identified in individuals affected with autosomal dominant dilated cardiomyopathy and/or cardio-related conditions (PMID: 27869827, 32964742, internal data). In summary, the currently available evidence indicates that the variant is pathogenic, but additional data are needed to prove that conclusively. Therefore, this variant has been classified as Likely Pathogenic.

Literature cited by the submitters: PubMed 25589632; PubMed 23975875; PubMed 27869827; PubMed 32964742.